The following is an entry in ClinVar:

ClinVar aggregate classification (germline): Uncertain significance (1 of 4 stars; one submission).

gnomAD v4.1: 2 of 1,613,674 alleles (0.00012%); highest among the groups gnomAD compares: Admixed American, 0.0017%; no homozygotes.

Submission:

Labcorp Genetics (formerly Invitae), Labcorp
Classification: Uncertain significance. Last evaluated: 2024-04-29. Review status: criteria provided, single submitter. Criteria: Invitae Variant Classification Sherloc (09022015). Collection method: clinical testing. Allele origin: germline.
Comment: This sequence change replaces serine, which is neutral and polar, with threonine, which is neutral and polar, at codon 433 of the MYLK3 protein (p.Ser433Thr). This variant is present in population databases (no rsID available, gnomAD 0.003%). This variant has not been reported in the literature in individuals affected with MYLK3-related conditions. Algorithms developed to predict the effect of missense changes on protein structure and function output the following: SIFT: "Not Available"; PolyPhen-2: "Benign"; Align-GVGD: "Not Available". The threonine amino acid residue is found in multiple mammalian species, which suggests that this missense change does not adversely affect protein function. In summary, the available evidence is currently insufficient to determine the role of this variant in disease. Therefore, it has been classified as a Variant of Uncertain Significance.

NM_182493.3(MYLK3):c.1298G>C (p.Ser433Thr)

Gene: MYLK3 (myosin light chain kinase 3; minus strand). Cytogenetic location: 16q11.2.
Variant type: single nucleotide variant.
Coding change: c.1298G>C on transcript NM_182493.3 (MANE Select); coding-DNA position 1298, G replaced by C.
Protein change: p.Ser433Thr; replaces serine 433 with threonine.
Molecular consequence: missense variant.
Genome position (GRCh38, 1-based): chr16:46,732,372, C>G on the plus strand (G>C on the coding strand, the complement: MYLK3 is on the minus strand). VCF-style: chr16-46732372-C-G. GRCh37 (hg19) VCF-style: chr16-46766284-C-G.
Other names: c.275G>C, p.Ser92Thr (NM_001308301.1); short protein forms S433T, S92T.
Identifiers: ClinVar variation 3692863 (VCV003692863.2).